The following is an entry in ClinVar:

ClinVar aggregate classification (germline): Pathogenic. Review status: criteria provided, multiple submitters, no conflicts (2 of 4 stars). 2 submissions from 2 submitters: Pathogenic (2). Last evaluated 2023-05-30.

Conditions:
Lissencephaly due to LIS1 mutation (LIS1). Also called: PAFAH1B1-Associated Lissencephaly/Subcortical Band Heterotopia; PAFAH1B1-Related Lissencephaly/Subcortical Band Heterotopia; Isolated Lissencephaly Sequence. Identifiers: Orphanet 95232, MedGen C4749301, MONDO:0011830, OMIM 607432.

Submissions (2):

Labcorp Genetics (formerly Invitae), Labcorp
Classification: Pathogenic. Last evaluated: 2023-05-30. Review status: criteria provided, single submitter. Criteria: Invitae Variant Classification Sherloc (09022015). Collection method: clinical testing. Allele origin: germline.
Comment: For these reasons, this variant has been classified as Pathogenic. This sequence change creates a premature translational stop signal (p.Ser152Cysfs*23) in the PAFAH1B1 gene. It is expected to result in an absent or disrupted protein product. Loss-of-function variants in PAFAH1B1 are known to be pathogenic (PMID: 1671808, 11115846, 14581661). This variant is not present in population databases (gnomAD no frequency). This variant has not been reported in the literature in individuals affected with PAFAH1B1-related conditions. ClinVar contains an entry for this variant (Variation ID: 159523).

Genetic Services Laboratory, University of Chicago
Classification: Pathogenic for Lissencephaly 1. Last evaluated: 2013-02-08. Review status: criteria provided, single submitter. Criteria: ACMG Guidelines, 2007. Collection method: clinical testing. Allele origin: germline. Inheritance: Autosomal dominant inheritance. Affected: yes.

Literature cited by the submitters: PubMed 1671808 (cited by Labcorp Genetics (formerly Invitae), Labcorp); PubMed 11115846 (cited by Labcorp Genetics (formerly Invitae), Labcorp); PubMed 14581661 (cited by Labcorp Genetics (formerly Invitae), Labcorp).

NM_000430.4(PAFAH1B1):c.455_456del (p.Ser152fs)

Gene: PAFAH1B1 (platelet activating factor acetylhydrolase 1b regulatory subunit 1; plus strand). Cytogenetic location: 17p13.3.
Variant type: Microsatellite.
Coding change: c.455_456del on transcript NM_000430.4 (MANE Select); coding-DNA positions 455 to 456, 2 bases deleted (CT; older notation c.455_456delCT).
Protein change: p.Ser152fs; shifts the reading frame from serine 152.
Molecular consequence: frameshift variant.
Genome position (GRCh38, 1-based): chr17:2,670,218-2,670,219, CT deleted; deleting any 2 consecutive bases within chr17:2,670,216-2,670,219 gives the same sequence; the c. name uses the placement nearest the transcript's 3' end. VCF-style (leftmost placement, unchanged base first): chr17-2670215-ACT-A. GRCh37 (hg19) VCF-style: chr17-2573509-ACT-A.
Other names: short protein forms S152fs.
Identifiers: ClinVar variation 159523 (VCV000159523.9), dbSNP rs587784268, ClinGen allele CA272412.